The following is an entry in ClinVar:

NM_001382391.1(CSPP1):c.2829-6C>A

Gene: CSPP1 (centrosome and spindle pole associated protein 1; plus strand). Cytogenetic location: 8q13.2.
Variant type: single nucleotide variant.
Coding change: c.2829-6C>A on transcript NM_001382391.1 (MANE Select); 6 bases into the intron before coding-DNA position 2829, C replaced by A.
Molecular consequence: intron variant.
Genome position (GRCh38, 1-based): chr8:67,172,410, C>A. VCF-style: chr8-67172410-C-A. GRCh37 (hg19) VCF-style: chr8-68084645-C-A.
Other names: c.2634-6C>A (NM_001363132.2); c.2748-6C>A (NM_001363131.2); c.2553-6C>A (NM_001363133.2); c.2895-6C>A (NM_001364869.1); c.2814-6C>A (NM_024790.7, NM_001438331.1); c.2661-6C>A (NM_001438330.1); c.2715-6C>A (NM_001364870.1); c.2130-6C>A (NM_001438332.1); and 1 more.
Identifiers: ClinVar variation 1144353 (VCV001144353.9), dbSNP rs202184488, ClinGen allele CA4770970.

ClinVar aggregate classification (germline): Likely benign. Review status: criteria provided, single submitter (1 of 4 stars). 2 submissions from 2 submitters: Likely benign (1). 1 of the submissions does not count toward it. Last evaluated 2025-11-20.

Conditions:
CSPP1-related disorder. Also called: CSPP1-related condition.
Joubert syndrome 21 (JBTS21). Identifiers: MedGen C3810212, MONDO:0014288, OMIM 615636.

Allele frequency attached by ClinVar (database versions not stated): gnomAD 0.00003 and 0.00004; TOPMed 0.00005; ExAC 0.00009; gnomAD exomes 0.00011.
gnomAD v4.1: 205 of 1,606,308 alleles (0.013%); highest among the groups gnomAD compares: Non-Finnish European, 0.016%; no homozygotes.

Submissions (2):

Labcorp Genetics (formerly Invitae), Labcorp
Classification: Likely benign for Joubert syndrome 21. Last evaluated: 2025-11-20. Review status: criteria provided, single submitter. Criteria: Invitae Variant Classification Sherloc (09022015). Collection method: clinical testing. Allele origin: germline.

PreventionGenetics, part of Exact Sciences
Classification: Likely benign for CSPP1-related condition. Last evaluated: 2019-05-28. Review status: no assertion criteria provided. Collection method: clinical testing. Allele origin: germline. Not counted in ClinVar's aggregate classification.
Comment: This variant is classified as likely benign based on ACMG/AMP sequence variant interpretation guidelines (Richards et al. 2015 PMID: 25741868, with internal and published modifications).